The following is an entry in ClinVar:

NM_003673.4(TCAP):c.116C>G (p.Ser39Cys)

Gene: TCAP (titin-cap; plus strand). Cytogenetic location: 17q12.
Variant type: single nucleotide variant.
Coding change: c.116C>G on transcript NM_003673.4 (MANE Select); coding-DNA position 116, C replaced by G.
Protein change: p.Ser39Cys; replaces serine 39 with cysteine.
Molecular consequence: missense variant.
Genome position (GRCh38, 1-based): chr17:39,665,721, C>G. VCF-style: chr17-39665721-C-G. GRCh37 (hg19) VCF-style: chr17-37821974-C-G.
Other names: short protein forms S39C.
Identifiers: ClinVar variation 464943 (VCV000464943.12), dbSNP rs1555607027, ClinGen allele CA399303407.
Genomic context (GRCh38, chr17:39,665,721, plus strand): 5'-CTGTGCCCAGAGAGCAACAGCTCCCAGGAGCTCACTGCCCCTCCCCTCTCCCCAGCTGCT[C>G]CCTGCATGAGGAGGACACCCAGAGACATGAGACCTACCACCAGCAGGGGCAGTGCCAGGT-3'
Protein context (NP_003664.1, residues 29-49): TLSTRPEEGC[Ser39Cys]LHEEDTQRHE

ClinVar aggregate classification (germline): Uncertain significance (1 of 4 stars; one submission).

Conditions:
Primary familial hypertrophic cardiomyopathy (HCM). Identifiers: Orphanet 99739, MedGen C0949658, MeSH D024741, MONDO:0024573. Inheritance: Various modes of inheritance.
Hypertrophic cardiomyopathy 25 (CMH25). Also called: CARDIOMYOPATHY, FAMILIAL HYPERTROPHIC, 25. Identifiers: MedGen C4225408, MONDO:0011843, OMIM 607487.

Submission:

Labcorp Genetics (formerly Invitae), Labcorp
Classification: Uncertain significance for Hypertrophic cardiomyopathy 25; Primary familial hypertrophic cardiomyopathy. Last evaluated: 2019-03-14. Review status: criteria provided, single submitter. Criteria: Invitae Variant Classification Sherloc (09022015). Collection method: clinical testing. Allele origin: germline.
Comment: This sequence change replaces serine with cysteine at codon 39 of the TCAP protein (p.Ser39Cys). The serine residue is highly conserved and there is a moderate physicochemical difference between serine and cysteine. In summary, this variant is a novel missense change with uncertain impact on protein function. It has been classified as a Variant of Uncertain Significance. Algorithms developed to predict the effect of missense changes on protein structure and function do not agree on the potential impact of this missense change (SIFT: "Deleterious"; PolyPhen-2: "Probably Damaging"; Align-GVGD: "Class C15"). This variant is not present in population databases (ExAC no frequency) and has not been reported in the literature in individuals with a TCAP-related disease.